The following is an entry in ClinVar:

NM_002528.7(NTHL1):c.94C>G (p.Arg32Gly)

Gene: NTHL1 (nth like DNA glycosylase 1; minus strand). Cytogenetic location: 16p13.3.
Variant type: single nucleotide variant.
Coding change: c.94C>G on transcript NM_002528.7 (MANE Select); coding-DNA position 94, C replaced by G.
Protein change: p.Arg32Gly; replaces arginine 32 with glycine.
Molecular consequence: missense variant. On other transcripts: 5 prime UTR variant (1).
Genome position (GRCh38, 1-based): chr16:2,047,730, G>C on the plus strand (C>G on the coding strand, the complement: NTHL1 is on the minus strand). VCF-style: chr16-2047730-G-C. GRCh37 (hg19) VCF-style: chr16-2097731-G-C.
Other names: c.94C>G, p.Arg32Gly (NM_001318193.2); c.-85C>G (NM_001318194.2); short protein forms R32G.
Identifiers: ClinVar variation 964523 (VCV000964523.13), dbSNP rs1285624591, ClinGen allele CA394298312.

ClinVar aggregate classification (germline): Uncertain significance. Review status: criteria provided, multiple submitters, no conflicts (2 of 4 stars). 2 submissions from 2 submitters: Uncertain significance (2). Last evaluated 2024-08-27.

Conditions:
Hereditary cancer-predisposing syndrome. Also called: Tumor predisposition; Hereditary neoplastic syndrome; Hereditary Cancer Syndrome; Neoplastic Syndromes, Hereditary. Identifiers: Orphanet 140162, MedGen C0027672, MeSH D009386, MONDO:0015356.

Submissions (2):

Ambry Genetics
Classification: Uncertain significance for Hereditary cancer-predisposing syndrome. Last evaluated: 2024-08-27. Review status: criteria provided, single submitter. Criteria: Ambry Variant Classification Scheme 2023. Collection method: clinical testing. Allele origin: germline.
Comment: The p.R40G variant (also known as c.118C>G), located in coding exon 1 of the NTHL1 gene, results from a C to G substitution at nucleotide position 118. The arginine at codon 40 is replaced by glycine, an amino acid with dissimilar properties. This amino acid position is conserved. In addition, this alteration is predicted to be tolerated by in silico analysis. Since supporting evidence is limited at this time, the clinical significance of this alteration remains unclear.

Labcorp Genetics (formerly Invitae), Labcorp
Classification: Uncertain significance. Last evaluated: 2022-01-10. Review status: criteria provided, single submitter. Criteria: Invitae Variant Classification Sherloc (09022015). Collection method: clinical testing. Allele origin: germline.
Comment: In summary, the available evidence is currently insufficient to determine the role of this variant in disease. Therefore, it has been classified as a Variant of Uncertain Significance. Algorithms developed to predict the effect of missense changes on protein structure and function output the following: SIFT: "Not Available"; PolyPhen-2: "Benign"; Align-GVGD: "Not Available". The glycine amino acid residue is found in multiple mammalian species, which suggests that this missense change does not adversely affect protein function. ClinVar contains an entry for this variant (Variation ID: 964523). This variant has not been reported in the literature in individuals affected with NTHL1-related conditions. This variant is not present in population databases (gnomAD no frequency). This sequence change replaces arginine, which is basic and polar, with glycine, which is neutral and non-polar, at codon 40 of the NTHL1 protein (p.Arg40Gly).